The following is an entry in ClinVar:

NM_021615.5(CHST6):c.*3992T>C

Gene: CHST6 (carbohydrate sulfotransferase 6; minus strand). Cytogenetic location: 16q23.1.
Variant type: single nucleotide variant.
Coding change: c.*3992T>C on transcript NM_021615.5 (MANE Select); 3992 bases downstream of the stop codon, T replaced by C.
Molecular consequence: 3 prime UTR variant.
Genome position (GRCh38, 1-based): chr16:75,474,649, A>G on the plus strand (T>C on the coding strand, the complement: CHST6 is on the minus strand). VCF-style: chr16-75474649-A-G. GRCh37 (hg19) VCF-style: chr16-75508547-A-G.
Identifiers: ClinVar variation 320525 (VCV000320525.5), dbSNP rs8063344, ClinGen allele CA10648953.

ClinVar aggregate classification (germline): Benign (1 of 4 stars; one submission).

Conditions:
Macular corneal dystrophy (MCD). Also called: GROENOUW TYPE II CORNEAL DYSTROPHY; Macular corneal dystrophy Type I. Identifiers: Orphanet 98969, MedGen C1636149, MONDO:0009020, OMIM 217800.

Allele frequency attached by ClinVar (database versions not stated): gnomAD exomes 0.00515; gnomAD 0.02731 and 0.02920; 1000 Genomes Project 0.03015; TOPMed 0.03169; 1000 Genomes Project 30x 0.03170.
gnomAD v4.1: 5,509 of 398,936 alleles (1.4%); highest among the groups gnomAD compares: African/African-American, 9.1%; 224 homozygotes.

Submission:

Illumina Laboratory Services, Illumina
Classification: Benign for Macular corneal dystrophy. Last evaluated: 2018-01-12. Review status: criteria provided, single submitter. Criteria: ICSL Variant Classification Criteria 13 December 2019. Collection method: clinical testing. Allele origin: germline.
Comment: This variant was observed in the ICSL laboratory as part of a predisposition screen in an ostensibly healthy population. It had not been previously curated by ICSL or reported in the Human Gene Mutation Database (HGMD: prior to June 1st, 2018), and was therefore a candidate for classification through an automated scoring system. Utilizing variant allele frequency, disease prevalence and penetrance estimates, and inheritance mode, an automated score was calculated to assess if this variant is too frequent to cause the disease. Based on the score and internal cut-off values, a variant classified as benign is not then subjected to further curation. The score for this variant resulted in a classification of benign for this disease.